The following is an entry in ClinVar:

NM_139215.3(TAF15):c.1344A>G (p.Gly448=)

Gene: TAF15 (TATA-box binding protein associated factor 15; plus strand). Cytogenetic location: 17q12.
Variant type: single nucleotide variant.
Coding change: c.1344A>G on transcript NM_139215.3 (MANE Select); coding-DNA position 1344, A replaced by G.
Protein change: p.Gly448=; no amino-acid change (glycine 448 retained).
Molecular consequence: synonymous variant.
Genome position (GRCh38, 1-based): chr17:35,844,643, A>G. VCF-style: chr17-35844643-A-G. GRCh37 (hg19) VCF-style: chr17-34171647-A-G.
Other names: c.1335A>G, p.Gly445= (NM_003487.4).
Identifiers: ClinVar variation 1235282 (VCV001235282.5), dbSNP rs1321826060, ClinGen allele CA728397224.

ClinVar aggregate classification (germline): Benign. Review status: criteria provided, single submitter (1 of 4 stars). 2 submissions from 2 submitters: Benign (1). 1 of the submissions does not count toward it. Last evaluated 2021-06-18.

Conditions:
TAF15-related disorder. Also called: TAF15-related condition.

Allele frequency attached by ClinVar (database versions not stated): gnomAD 0.00010 and 0.00014; gnomAD exomes 0.00039; ExAC 0.00047.
gnomAD v4.1: 318 of 1,586,646 alleles (0.02%); highest among the groups gnomAD compares: South Asian, 0.21%; 5 homozygotes.

Submissions (2):

GeneDx
Classification: Benign. Last evaluated: 2021-06-18. Review status: criteria provided, single submitter. Criteria: GeneDx Variant Classification Process June 2021. Collection method: clinical testing. Allele origin: germline. Affected: yes.

PreventionGenetics, part of Exact Sciences
Classification: Likely benign for TAF15-related condition. Last evaluated: 2023-10-03. Review status: no assertion criteria provided. Collection method: clinical testing. Allele origin: germline. Not counted in ClinVar's aggregate classification.
Comment: This variant is classified as likely benign based on ACMG/AMP sequence variant interpretation guidelines (Richards et al. 2015 PMID: 25741868, with internal and published modifications).